The following is an entry in ClinVar:

NM_152564.5(VPS13B):c.4902T>C (p.Thr1634=)

Gene: VPS13B (vacuolar protein sorting 13 homolog B; plus strand). Cytogenetic location: 8q22.2.
Variant type: single nucleotide variant.
Coding change: c.4902T>C on transcript NM_152564.5 (MANE Select); coding-DNA position 4902, T replaced by C.
Protein change: p.Thr1634=; no amino-acid change (threonine 1634 retained).
Molecular consequence: synonymous variant.
Genome position (GRCh38, 1-based): chr8:99,556,606, T>C. VCF-style: chr8-99556606-T-C. GRCh37 (hg19) VCF-style: chr8-100568834-T-C.
Other names: c.4977T>C, p.Thr1659= (NM_017890.5); c.4902T>C (NM_152564.4).
Identifiers: ClinVar variation 1113522 (VCV001113522.10), dbSNP rs1420456509, ClinGen allele CA462446365.
Genomic context (GRCh38, chr8:99,556,606, plus strand): 5'-ACAGTGGCATCAACTAAAACCAGAGAAGGAAAGTGTCTCAGGAGGGGTGGTAACAGAGAC[T>C]GAAAGGAATTCTCAAAATCCAGCCCTTGAGTGGAATATGGCCAGCAGGTAGGAAATGATT-3'
Protein context (NP_689777.3, residues 1624-1644): ESVSGGVVTE[Thr1634=]ERNSQNPALE

ClinVar aggregate classification (germline): Likely benign. Review status: criteria provided, multiple submitters, no conflicts (2 of 4 stars). 2 submissions from 2 submitters: Likely benign (2). Last evaluated 2026-01-19.

Conditions:
Cohen syndrome (COH1). Also called: Cutis verticis gyrata, retinitis pigmentosa, and sensorineural deafness; PEPPER SYNDROME. Identifiers: Orphanet 193, MedGen C0265223, MONDO:0008999, OMIM 216550.
VPS13B-related disorder. Also called: VPS13B-related condition.

Allele frequency attached by ClinVar (database versions not stated): TOPMed below 0.00001; gnomAD exomes 0.00001.
gnomAD v4.1: 11 of 1,613,162 alleles (0.00068%); highest among the groups gnomAD compares: South Asian, 0.0077%; no homozygotes.

Submissions (2):

Labcorp Genetics (formerly Invitae), Labcorp
Classification: Likely benign for Cohen syndrome. Last evaluated: 2026-01-19. Review status: criteria provided, single submitter. Criteria: Invitae Variant Classification Sherloc (09022015). Collection method: clinical testing. Allele origin: germline.

PreventionGenetics, part of Exact Sciences
Classification: Likely benign for VPS13B-related condition. Last evaluated: 2025-05-28. Review status: criteria provided, single submitter. Criteria: ACMG Guidelines, 2015. Collection method: clinical testing. Allele origin: germline.
Comment: This variant is classified as likely benign based on ACMG/AMP sequence variant interpretation guidelines (Richards et al. 2015 PMID: 25741868, with internal and published modifications).